The following is an entry in ClinVar:

Conditions:
Breast-ovarian cancer, familial, susceptibility to, 1 (BROVCA1). Also called: BRCA1 Hereditary Breast and Ovarian Cancer; OVARIAN CANCER, SUSCEPTIBILITY TO. Identifiers: Orphanet 145, MedGen C2676676, MONDO:0011450, OMIM 604370. Disease mechanism: loss of function.

Submission:

Brotman Baty Institute, University of Washington
No classification provided (evidence only). Condition: Breast-ovarian cancer, familial 1. Review status: no classification provided. Collection method: in vitro. Allele origin: not applicable. Functional consequence: functionally_normal.
ClinVar note: "not provided" was previously submitted as the classification for the variant. However, the classification appeared to be based only on an observation of functional data so it was converted to no classification on 2025-07-30.

NM_007294.4(BRCA1):c.5195A>C (p.His1732Pro)

Gene: BRCA1 (BRCA1 DNA repair associated; minus strand). Cytogenetic location: 17q21.31.
Variant type: single nucleotide variant.
Coding change: c.5195A>C on transcript NM_007294.4 (MANE Select); coding-DNA position 5195, A replaced by C.
Protein change: p.His1732Pro; replaces histidine 1732 with proline.
Molecular consequence: missense variant. On other transcripts: non-coding transcript variant (1).
Genome position (GRCh38, 1-based): chr17:43,057,134, T>G on the plus strand (A>C on the coding strand, the complement: BRCA1 is on the minus strand). VCF-style: chr17-43057134-T-G. GRCh37 (hg19) VCF-style: chr17-41209151-T-G.
Other names: c.5054A>C, p.His1685Pro (NM_001407692.1, NM_001407694.1, NM_001407695.1 and 13 more transcripts); c.5051A>C, p.His1684Pro (NM_001407734.1, NM_001407735.1, NM_001407736.1 and 21 more transcripts); c.5048A>C, p.His1683Pro (NM_001407838.1, NM_001407839.1, NM_001407841.1 and 12 more transcripts); c.5189A>C, p.His1730Pro (NM_001407861.1, NM_001407629.1, NM_001407630.1 and 14 more transcripts); c.4994A>C, p.His1665Pro (NM_001407862.1); c.4991A>C, p.His1664Pro (NM_001407863.1); c.4988A>C, p.His1663Pro (NM_001407874.1, NM_001407875.1); c.4985A>C, p.His1662Pro (NM_001407879.1, NM_001407881.1, NM_001407882.1 and 5 more transcripts); and 72 more; short protein forms H1685P, H1732P, H1753P, H628P, H1436P, H1563P, H1605P, H1619P.
Identifiers: ClinVar variation 867503 (VCV000867503.3), dbSNP rs1597811076, ClinGen allele CA10591144.
Genomic context (GRCh38, chr17:43,057,134, plus strand): 5'-GCTCGCTTTGGACCTTGGTGGTTTCTTCCATTGACCACATCTCCTCTGACTTCAAAATCA[T>G]GCTGAAAGAAACCAAACACAACCCATCAGGATAAGAGAAAGAGAAGCTTCCTTCAATGGA-3'
Protein context (NP_009225.1, residues 1722-1742): SIKERKMLNE[His1732Pro]DFEVRGDVVN